The following is an entry in ClinVar:

NM_016203.4(PRKAG2):c.466+19T>C

Gene: PRKAG2 (protein kinase AMP-activated non-catalytic subunit gamma 2; minus strand). Cytogenetic location: 7q36.1.
Variant type: single nucleotide variant.
Coding change: c.466+19T>C on transcript NM_016203.4 (MANE Select); 19 bases into the intron after coding-DNA position 466, T replaced by C.
Molecular consequence: intron variant.
Genome position (GRCh38, 1-based): chr7:151,781,133, A>G on the plus strand (T>C on the coding strand, the complement: PRKAG2 is on the minus strand). VCF-style: chr7-151781133-A-G. GRCh37 (hg19) VCF-style: chr7-151478219-A-G.
Other names: c.466+19T>C (NM_016203.3); c.334+19T>C (NM_001040633.2).
Identifiers: ClinVar variation 1566581 (VCV001566581.10), dbSNP rs376621063, ClinGen allele CA169171901.

ClinVar aggregate classification (germline): Likely benign. Review status: criteria provided, multiple submitters, no conflicts (2 of 4 stars). 4 submissions from 4 submitters: Likely benign (4). Last evaluated 2026-09-21.

Conditions:
Lethal congenital glycogen storage disease of heart. Also called: GLYCOGEN STORAGE DISEASE OF HEART; PHOSPHORYLASE KINASE DEFICIENCY OF HEART. Identifiers: Orphanet 439854, MedGen C1849813, MONDO:0009867, OMIM 261740.

Allele frequency attached by ClinVar (database versions not stated): TOPMed below 0.00001; gnomAD 0.00001; gnomAD exomes 0.00001.
gnomAD v4.1: 21 of 1,613,476 alleles (0.0013%); highest among the groups gnomAD compares: East Asian, 0.018%; no homozygotes.

Submissions (4):

Molecular Diagnostic Laboratory for Inherited Cardiovascular Disease, Montreal Heart Institute
Classification: Likely benign. Last evaluated: 2026-09-21. Review status: criteria provided, single submitter. Criteria: ACMG Guidelines, 2015. Collection method: clinical testing. Allele origin: germline. Affected: no.
Comment: BS1;BP4

Labcorp Genetics (formerly Invitae), Labcorp
Classification: Likely benign for Lethal congenital glycogen storage disease of heart. Last evaluated: 2026-02-04. Review status: criteria provided, single submitter. Criteria: Invitae Variant Classification Sherloc (09022015). Collection method: clinical testing. Allele origin: germline.

Blueprint Genetics
Classification: Likely benign. Last evaluated: 2024-03-05. Review status: criteria provided, single submitter. Criteria: ACMG Guidelines, 2015. Collection method: clinical testing. Allele origin: germline.

Women's Health and Genetics/Laboratory Corporation of America, LabCorp
Classification: Likely benign. Last evaluated: 2023-09-11. Review status: criteria provided, single submitter. Criteria: LabCorp Variant Classification Summary - May 2015. Collection method: clinical testing. Allele origin: germline.